The following is an entry in ClinVar:

NM_001371986.1(UNC80):c.3868T>C (p.Cys1290Arg)

Gene: UNC80 (unc-80 subunit of NALCN channel complex; plus strand). Cytogenetic location: 2q34.
Variant type: single nucleotide variant.
Coding change: c.3868T>C on transcript NM_001371986.1 (MANE Select); coding-DNA position 3868, T replaced by C.
Protein change: p.Cys1290Arg; replaces cysteine 1290 with arginine.
Molecular consequence: missense variant.
Genome position (GRCh38, 1-based): chr2:209,877,981, T>C. VCF-style: chr2-209877981-T-C. GRCh37 (hg19) VCF-style: chr2-210742705-T-C.
Other names: c.3874T>C, p.Cys1292Arg (NM_032504.2); c.3859T>C, p.Cys1287Arg (NM_182587.4); short protein forms C1287R, C1290R, C1292R.
Identifiers: ClinVar variation 2106123 (VCV002106123.4), dbSNP rs2471063292, ClinGen allele CA350744877.

ClinVar aggregate classification (germline): Uncertain significance (1 of 4 stars; one submission).

Submission:

Labcorp Genetics (formerly Invitae), Labcorp
Classification: Uncertain significance. Last evaluated: 2022-08-31. Review status: criteria provided, single submitter. Criteria: Invitae Variant Classification Sherloc (09022015). Collection method: clinical testing. Allele origin: germline.
Comment: In summary, the available evidence is currently insufficient to determine the role of this variant in disease. Therefore, it has been classified as a Variant of Uncertain Significance. Algorithms developed to predict the effect of missense changes on protein structure and function are either unavailable or do not agree on the potential impact of this missense change (SIFT: "Not Available"; PolyPhen-2: "Probably Damaging"; Align-GVGD: "Not Available"). This variant has not been reported in the literature in individuals affected with UNC80-related conditions. This variant is not present in population databases (gnomAD no frequency). This sequence change replaces cysteine, which is neutral and slightly polar, with arginine, which is basic and polar, at codon 1292 of the UNC80 protein (p.Cys1292Arg).